The following is an entry in ClinVar:

ClinVar aggregate classification (germline): Likely benign (1 of 4 stars; one submission).

Allele frequency attached by ClinVar (database versions not stated): ExAC 0.00001; gnomAD exomes 0.00001.
gnomAD v4.1: 6 of 1,614,104 alleles (0.00037%); highest among the groups gnomAD compares: South Asian, 0.0066%; no homozygotes.

Submission:

CeGaT Center for Human Genetics Tuebingen
Classification: Likely benign. Last evaluated: 2024-03-01. Review status: criteria provided, single submitter. Criteria: CeGaT Center For Human Genetics Tuebingen Variant Classification Criteria Version 2. Collection method: clinical testing. Allele origin: germline. Affected: yes. Observed: 1 variant allele.
Comment: WLS: BP4, BP7

NM_024911.7(WLS):c.291C>T (p.Pro97=)

Genes: GNG12-AS1 (GNG12, DIRAS3 and WLS antisense RNA 1; plus strand), WLS (Wnt ligand secretion mediator; minus strand). Cytogenetic location: 1p31.3.
Variant type: single nucleotide variant.
Coding change: c.291C>T on transcript NM_024911.7 (MANE Select); coding-DNA position 291, C replaced by T.
Protein change: p.Pro97=; no amino-acid change (proline 97 retained).
Molecular consequence: synonymous variant. On other transcripts: intron variant (1).
Genome position (GRCh38, 1-based): chr1:68,194,043, G>A on the plus strand (C>T on the coding strand, the complement: WLS is on the minus strand). VCF-style: chr1-68194043-G-A. GRCh37 (hg19) VCF-style: chr1-68659726-G-A.
Other names: c.285C>T, p.Pro95= (NM_001002292.4); c.107-34796C>T (NM_001193334.1).
Identifiers: ClinVar variation 3067699 (VCV003067699.21), dbSNP rs750696001, ClinGen allele CA902000.
Genomic context (GRCh38, chr1:68,194,043, plus strand): 5'-GTCCAGCTGCAGGATAAACAGCATGAATTGGAACCAAGGACTCATCTCCATGTGGGGGAG[G>A]GGAATGTGAACAGAAAACACGATGTCATTGGCTTCAATTTCCCTTGGAATTGCCTCTTCA-3'
Protein context (NP_079187.3, residues 87-107): ANDIVFSVHI[Pro97=]LPHMEMSPWF